The following is an entry in ClinVar:

NM_001082486.2(ACD):c.263T>C (p.Phe88Ser)

Gene: ACD (ACD shelterin complex subunit and telomerase recruitment factor; minus strand). Cytogenetic location: 16q22.1.
Variant type: single nucleotide variant.
Coding change: c.263T>C on transcript NM_001082486.2 (MANE Select); coding-DNA position 263, T replaced by C.
Protein change: p.Phe88Ser; replaces phenylalanine 88 with serine.
Molecular consequence: missense variant.
Genome position (GRCh38, 1-based): chr16:67,659,775, A>G on the plus strand (T>C on the coding strand, the complement: ACD is on the minus strand). VCF-style: chr16-67659775-A-G. GRCh37 (hg19) VCF-style: chr16-67693678-A-G.
Other names: c.263T>C, p.Phe88Ser (NM_001410884.1); c.254T>C, p.Phe85Ser (NM_022914.3); short protein forms F85S, F88S.
Identifiers: ClinVar variation 4736527 (VCV004736527.1).

ClinVar aggregate classification (germline): Uncertain significance (1 of 4 stars; one submission).

Conditions:
Dyskeratosis congenita, autosomal dominant 6 (DKCA6). Identifiers: Orphanet 3322, MedGen C4225284, MONDO:0014690, OMIM 616553.

Submission:

Labcorp Genetics (formerly Invitae), Labcorp
Classification: Uncertain significance for Dyskeratosis congenita, autosomal dominant 6. Last evaluated: 2025-12-02. Review status: criteria provided, single submitter. Criteria: Invitae Variant Classification Sherloc (09022015). Collection method: clinical testing. Allele origin: germline.
Comment: This sequence change replaces phenylalanine, which is neutral and non-polar, with serine, which is neutral and polar, at codon 174 of the ACD protein (p.Phe174Ser). This variant is not present in population databases (gnomAD no frequency). This variant has not been reported in the literature in individuals affected with ACD-related conditions. Invitae Evidence Modeling of protein sequence and biophysical properties (such as structural, functional, and spatial information, amino acid conservation, physicochemical variation, residue mobility, and thermodynamic stability) indicates that this missense variant is expected to disrupt ACD protein function with a positive predictive value of 80%. In summary, the available evidence is currently insufficient to determine the role of this variant in disease. Therefore, it has been classified as a Variant of Uncertain Significance.